The following is an entry in ClinVar:

NM_198859.4(PRICKLE2):c.781C>T (p.His261Tyr)

Gene: PRICKLE2 (prickle planar cell polarity protein 2; minus strand). Cytogenetic location: 3p14.1.
Variant type: single nucleotide variant.
Coding change: c.781C>T on transcript NM_198859.4 (MANE Select); coding-DNA position 781, C replaced by T.
Protein change: p.His261Tyr; replaces histidine 261 with tyrosine.
Molecular consequence: missense variant.
Genome position (GRCh38, 1-based): chr3:64,153,188, G>A on the plus strand (C>T on the coding strand, the complement: PRICKLE2 is on the minus strand). VCF-style: chr3-64153188-G-A. GRCh37 (hg19) VCF-style: chr3-64138864-G-A.
Other names: c.781C>T, p.His261Tyr (NM_001370528.1); short protein forms H261Y.
Identifiers: ClinVar variation 1507370 (VCV001507370.8), dbSNP rs2107026575, ClinGen allele CA353433674.

ClinVar aggregate classification (germline): Uncertain significance (1 of 4 stars; one submission).

Conditions:
Progressive myoclonic epilepsy type 5. Identifiers: Orphanet 402082, MedGen C5190799.

Submission:

Labcorp Genetics (formerly Invitae), Labcorp
Classification: Uncertain significance for Progressive myoclonic epilepsy type 5. Last evaluated: 2021-03-29. Review status: criteria provided, single submitter. Criteria: Invitae Variant Classification Sherloc (09022015). Collection method: clinical testing. Allele origin: germline.
Comment: In summary, the available evidence is currently insufficient to determine the role of this variant in disease. Therefore, it has been classified as a Variant of Uncertain Significance. Algorithms developed to predict the effect of missense changes on protein structure and function (SIFT, PolyPhen-2, Align-GVGD) all suggest that this variant is likely to be disruptive, but these predictions have not been confirmed by published functional studies and their clinical significance is uncertain. This variant has not been reported in the literature in individuals with PRICKLE2-related conditions. This variant is not present in population databases (ExAC no frequency). This sequence change replaces histidine with tyrosine at codon 261 of the PRICKLE2 protein (p.His261Tyr). The histidine residue is highly conserved and there is a moderate physicochemical difference between histidine and tyrosine.